The following is an entry in ClinVar:

ClinVar aggregate classification (germline): Uncertain significance (1 of 4 stars; one submission).

Conditions:
COG7 congenital disorder of glycosylation (CDG2E). Also called: CONGENITAL DISORDER OF GLYCOSYLATION, TYPE IIe; CDG IIe. Identifiers: Orphanet 79333, MedGen C2931010, MONDO:0012118, OMIM 608779.

Allele frequency attached by ClinVar (database versions not stated): ESP Exome Variant Server 0.00008.

Submission:

Labcorp Genetics (formerly Invitae), Labcorp
Classification: Uncertain significance for COG7 congenital disorder of glycosylation. Last evaluated: 2021-06-14. Review status: criteria provided, single submitter. Criteria: Invitae Variant Classification Sherloc (09022015). Collection method: clinical testing. Allele origin: germline.
Comment: This sequence change replaces tyrosine with cysteine at codon 223 of the COG7 protein (p.Tyr223Cys). The tyrosine residue is highly conserved and there is a large physicochemical difference between tyrosine and cysteine. This variant is not present in population databases (ExAC no frequency). This variant has not been reported in the literature in individuals with COG7-related conditions. Algorithms developed to predict the effect of missense changes on protein structure and function are either unavailable or do not agree on the potential impact of this missense change (SIFT: "Deleterious"; PolyPhen-2: "Possibly Damaging"; Align-GVGD: "Class C0"). In summary, the available evidence is currently insufficient to determine the role of this variant in disease. Therefore, it has been classified as a Variant of Uncertain Significance.

NM_153603.4(COG7):c.668A>G (p.Tyr223Cys)

Gene: COG7 (component of oligomeric golgi complex 7; minus strand). Cytogenetic location: 16p12.2.
Variant type: single nucleotide variant.
Coding change: c.668A>G on transcript NM_153603.4 (MANE Select); coding-DNA position 668, A replaced by G.
Protein change: p.Tyr223Cys; replaces tyrosine 223 with cysteine.
Molecular consequence: missense variant.
Genome position (GRCh38, 1-based): chr16:23,434,655, T>C on the plus strand (A>G on the coding strand, the complement: COG7 is on the minus strand). VCF-style: chr16-23434655-T-C. GRCh37 (hg19) VCF-style: chr16-23445976-T-C.
Other names: short protein forms Y223C.
Identifiers: ClinVar variation 1496099 (VCV001496099.8), dbSNP rs377542270, ClinGen allele CA279482720.